The following is an entry in ClinVar:

ClinVar aggregate classification (germline): Uncertain significance (1 of 4 stars; one submission).

gnomAD v4.1: 4 of 1,614,060 alleles (0.00025%); highest among the groups gnomAD compares: East Asian, 0.0022%; no homozygotes.

Submission:

Labcorp Genetics (formerly Invitae), Labcorp
Classification: Uncertain significance. Last evaluated: 2025-10-16. Review status: criteria provided, single submitter. Criteria: Invitae Variant Classification Sherloc (09022015). Collection method: clinical testing. Allele origin: germline.
Comment: This sequence change replaces asparagine, which is neutral and polar, with serine, which is neutral and polar, at codon 443 of the PPM1D protein (p.Asn443Ser). This variant is present in population databases (no rsID available, gnomAD 0.006%). This variant has not been reported in the literature in individuals affected with PPM1D-related conditions. An algorithm developed to predict the effect of missense changes on protein structure and function (PolyPhen-2) suggests that this variant is likely to be tolerated. In summary, the available evidence is currently insufficient to determine the role of this variant in disease. Therefore, it has been classified as a Variant of Uncertain Significance.

NM_003620.4(PPM1D):c.1328A>G (p.Asn443Ser)

Gene: PPM1D (protein phosphatase, Mg2+/Mn2+ dependent 1D; plus strand). Cytogenetic location: 17q23.2.
Variant type: single nucleotide variant.
Coding change: c.1328A>G on transcript NM_003620.4 (MANE Select); coding-DNA position 1328, A replaced by G.
Protein change: p.Asn443Ser; replaces asparagine 443 with serine.
Molecular consequence: missense variant.
Genome position (GRCh38, 1-based): chr17:60,663,062, A>G. VCF-style: chr17-60663062-A-G. GRCh37 (hg19) VCF-style: chr17-58740423-A-G.
Other names: short protein forms N443S.
Identifiers: ClinVar variation 4797795 (VCV004797795.1).